The following is an entry in ClinVar:

NM_020778.5(ALPK3):c.1079C>T (p.Pro360Leu)

Gene: ALPK3 (alpha kinase 3; plus strand). Cytogenetic location: 15q25.3.
Variant type: single nucleotide variant.
Coding change: c.1079C>T on transcript NM_020778.5 (MANE Select); coding-DNA position 1079, C replaced by T.
Protein change: p.Pro360Leu; replaces proline 360 with leucine.
Molecular consequence: missense variant.
Genome position (GRCh38, 1-based): chr15:84,840,358, C>T. VCF-style: chr15-84840358-C-T. GRCh37 (hg19) VCF-style: chr15-85383589-C-T.
Other names: short protein forms P360L.
Identifiers: ClinVar variation 1306843 (VCV001306843.7), dbSNP rs1963647073, ClinGen allele CA393374346.

ClinVar aggregate classification (germline): Uncertain significance. Review status: criteria provided, multiple submitters, no conflicts (2 of 4 stars). 3 submissions from 3 submitters: Uncertain significance (3). Last evaluated 2024-12-20.

Conditions:
Cardiovascular phenotype. Identifiers: MedGen CN230736.

Allele frequency attached by ClinVar (database versions not stated): gnomAD 0.00001.
gnomAD v4.1: 1 of 1,613,426 alleles (0.000062%); highest among the groups gnomAD compares: African/African-American, 0.0013%; no homozygotes.

Submissions (3):

Ambry Genetics
Classification: Uncertain significance for Cardiovascular phenotype. Last evaluated: 2024-12-20. Review status: criteria provided, single submitter. Criteria: Ambry Variant Classification Scheme 2023. Collection method: clinical testing. Allele origin: germline.
Comment: The p.P562L variant (also known as c.1685C>T), located in coding exon 5 of the ALPK3 gene, results from a C to T substitution at nucleotide position 1685. The proline at codon 562 is replaced by leucine, an amino acid with similar properties. This amino acid position is conserved. In addition, this alteration is predicted to be tolerated by in silico analysis. Since supporting evidence is limited at this time, the clinical significance of this alteration remains unclear.

Labcorp Genetics (formerly Invitae), Labcorp
Classification: Uncertain significance. Last evaluated: 2024-04-17. Review status: criteria provided, single submitter. Criteria: Invitae Variant Classification Sherloc (09022015). Collection method: clinical testing. Allele origin: germline.
Comment: This sequence change replaces proline, which is neutral and non-polar, with leucine, which is neutral and non-polar, at codon 562 of the ALPK3 protein (p.Pro562Leu). This variant is not present in population databases (gnomAD no frequency). This variant has not been reported in the literature in individuals affected with ALPK3-related conditions. ClinVar contains an entry for this variant (Variation ID: 1306843). Advanced modeling of protein sequence and biophysical properties (such as structural, functional, and spatial information, amino acid conservation, physicochemical variation, residue mobility, and thermodynamic stability) performed at Invitae indicates that this missense variant is expected to disrupt ALPK3 protein function with a positive predictive value of 80%. In summary, the available evidence is currently insufficient to determine the role of this variant in disease. Therefore, it has been classified as a Variant of Uncertain Significance.

GeneDx
Classification: Uncertain significance. Last evaluated: 2019-07-02. Review status: criteria provided, single submitter. Criteria: GeneDx Variant Classification Process June 2021. Collection method: clinical testing. Allele origin: germline. Affected: yes.